The following is an entry in ClinVar:

NM_001006658.3(CR2):c.1511G>A (p.Ser504Asn)

Gene: CR2 (complement C3d receptor 2; plus strand). Cytogenetic location: 1q32.2.
Variant type: single nucleotide variant.
Coding change: c.1511G>A on transcript NM_001006658.3 (MANE Select); coding-DNA position 1511, G replaced by A.
Protein change: p.Ser504Asn; replaces serine 504 with asparagine.
Molecular consequence: missense variant.
Genome position (GRCh38, 1-based): chr1:207,471,440, G>A. VCF-style: chr1-207471440-G-A. GRCh37 (hg19) VCF-style: chr1-207644785-G-A.
Other names: c.1511G>A, p.Ser504Asn (NM_001877.5); short protein forms S504N.
Identifiers: ClinVar variation 962849 (VCV000962849.7), dbSNP rs763216546, ClinGen allele CA1368745.

ClinVar aggregate classification (germline): Uncertain significance (1 of 4 stars; one submission).

Conditions:
Immunodeficiency, common variable, 7. Identifiers: Orphanet 1572, Orphanet 696894, MedGen C3542922, MONDO:0013862, OMIM 614699.

Allele frequency attached by ClinVar (database versions not stated): TOPMed 0.00001; gnomAD exomes 0.00002; ExAC 0.00001.

Submission:

Labcorp Genetics (formerly Invitae), Labcorp
Classification: Uncertain significance for Immunodeficiency, common variable, 7. Last evaluated: 2020-07-30. Review status: criteria provided, single submitter. Criteria: Invitae Variant Classification Sherloc (09022015). Collection method: clinical testing. Allele origin: germline.
Comment: This sequence change replaces serine with asparagine at codon 504 of the CR2 protein (p.Ser504Asn). The serine residue is moderately conserved and there is a small physicochemical difference between serine and asparagine. This variant is present in population databases (rs763216546, ExAC 0.009%). This variant has not been reported in the literature in individuals with CR2-related conditions. Algorithms developed to predict the effect of missense changes on protein structure and function output the following: SIFT: "Tolerated"; PolyPhen-2: "Benign"; Align-GVGD: "Class C0". The asparagine amino acid residue is found in multiple mammalian species, suggesting that this missense change does not adversely affect protein function. These predictions have not been confirmed by published functional studies and their clinical significance is uncertain. In summary, the available evidence is currently insufficient to determine the role of this variant in disease. Therefore, it has been classified as a Variant of Uncertain Significance.